The following is an entry in ClinVar:

NC_000017.10:g.(?_59885818)_(59938900_?)dup

Gene: BRIP1 (BRCA1 interacting DNA helicase 1; minus strand). Cytogenetic location: 17q23.2.
Variant type: Duplication.
Identifiers: ClinVar variation 1036770 (VCV001036770.3).

ClinVar aggregate classification (germline): Uncertain significance (1 of 4 stars; one submission).

Conditions:
Familial cancer of breast. Also called: Hereditary breast cancer; hereditary breast carcinoma; BREAST CANCER, FAMILIAL. Identifiers: Orphanet 227535, MedGen C0346153, MONDO:0016419, OMIM 114480. Disease mechanism: loss of function.
Fanconi anemia complementation group J. Also called: BRIP1-Related Fanconi Anemia. Identifiers: Orphanet 84, MedGen C1836860, MONDO:0012187, OMIM 609054.

Submission:

Labcorp Genetics (formerly Invitae), Labcorp
Classification: Uncertain significance for Familial cancer of breast; Fanconi anemia complementation group J. Last evaluated: 2022-11-01. Review status: criteria provided, single submitter. Criteria: Invitae Variant Classification Sherloc (09022015). Collection method: clinical testing. Allele origin: germline.
Comment: This variant results in a copy number gain of the genomic region encompassing exon(s) 2-7 of the BRIP1 gene. This region includes the initiator codon of the gene. This copy number gain extends beyond the assayed region for this gene and therefore may encompass additional genes. As the precise location of this event is unknown, it may be in tandem or it may be located elsewhere in the genome. This variant has not been reported in the literature in individuals affected with BRIP1-related conditions. In summary, the available evidence is currently insufficient to determine the role of this variant in disease. Therefore, it has been classified as a Variant of Uncertain Significance.